The following is an entry in ClinVar:

NM_001290060.2(SEMA3B):c.88C>T (p.Arg30Cys)

Gene: SEMA3B (semaphorin 3B; plus strand). Cytogenetic location: 3p21.31.
Variant type: single nucleotide variant.
Coding change: c.88C>T on transcript NM_001290060.2 (MANE Select); coding-DNA position 88, C replaced by T.
Protein change: p.Arg30Cys; replaces arginine 30 with cysteine.
Molecular consequence: missense variant.
Genome position (GRCh38, 1-based): chr3:50,269,328, C>T. VCF-style: chr3-50269328-C-T. GRCh37 (hg19) VCF-style: chr3-50306759-C-T.
Other names: c.88C>T, p.Arg30Cys (NM_001005914.3, NM_001290061.1, NM_004636.4); short protein forms R30C.
Identifiers: ClinVar variation 3030967 (VCV003030967.2), dbSNP rs782775940, ClinGen allele CA2413651.

ClinVar aggregate classification (germline): Likely benign (0 of 4 stars; one submission).

Conditions:
SEMA3B-related disorder. Also called: SEMA3B-related condition.

Allele frequency attached by ClinVar (database versions not stated): ExAC 0.00022; TOPMed 0.00006.

Submission:

PreventionGenetics, part of Exact Sciences
Classification: Likely benign for SEMA3B-related condition. Last evaluated: 2023-03-29. Review status: no assertion criteria provided. Collection method: clinical testing. Allele origin: germline.
Comment: This variant is classified as likely benign based on ACMG/AMP sequence variant interpretation guidelines (Richards et al. 2015 PMID: 25741868, with internal and published modifications).